The following is an entry in ClinVar:

ClinVar aggregate classification (germline): Benign/Likely benign. Review status: criteria provided, multiple submitters, no conflicts (2 of 4 stars). 2 submissions from 2 submitters: Benign (1); Likely benign (1). Last evaluated 2023-04-01.

Allele frequency attached by ClinVar (database versions not stated): gnomAD exomes 0.00029 and 0.00063; ExAC 0.00088; gnomAD 0.00258 and 0.00275; TOPMed 0.00308; 1000 Genomes Project 0.00319; 1000 Genomes Project 30x 0.00344; ESP Exome Variant Server 0.00362.
gnomAD v4.1: 831 of 1,612,990 alleles (0.052%); highest among the groups gnomAD compares: African/African-American, 1%; 3 homozygotes.

Submissions (2):

CeGaT Center for Human Genetics Tuebingen
Classification: Likely benign. Last evaluated: 2023-04-01. Review status: criteria provided, single submitter. Criteria: CeGaT Center For Human Genetics Tuebingen Variant Classification Criteria Version 2. Collection method: clinical testing. Allele origin: germline. Affected: yes. Observed: 1 variant allele.
Comment: RBBP6: BP4

Genetic Services Laboratory, University of Chicago
Classification: Benign. Last evaluated: 2021-04-02. Review status: criteria provided, single submitter. Criteria: ACMG Guidelines, 2015. Collection method: clinical testing. Allele origin: germline. Affected: no.

NM_006910.5(RBBP6):c.3545G>A (p.Arg1182His)

Gene: RBBP6 (RB binding protein 6, ubiquitin ligase; plus strand). Cytogenetic location: 16p12.1.
Variant type: single nucleotide variant.
Coding change: c.3545G>A on transcript NM_006910.5 (MANE Select); coding-DNA position 3545, G replaced by A.
Protein change: p.Arg1182His; replaces arginine 1182 with histidine.
Molecular consequence: missense variant.
Genome position (GRCh38, 1-based): chr16:24,570,235, G>A. VCF-style: chr16-24570235-G-A. GRCh37 (hg19) VCF-style: chr16-24581556-G-A.
Other names: c.3443G>A, p.Arg1148His (NM_018703.4); short protein forms R1148H, R1182H.
Identifiers: ClinVar variation 1337533 (VCV001337533.28), dbSNP rs116616570, ClinGen allele CA7967774.